The following is an entry in ClinVar:

ClinVar aggregate classification (germline): Uncertain significance. Review status: criteria provided, multiple submitters, no conflicts (2 of 4 stars). 3 submissions from 3 submitters: Uncertain significance (2). 1 of the submissions does not count toward it. Last evaluated 2023-08-24.

Conditions:
Autosomal recessive retinitis pigmentosa. Identifiers: MedGen C0339526.

Allele frequency attached by ClinVar (database versions not stated): gnomAD 0.00001; gnomAD exomes 0.00001 and 0.00002; TOPMed 0.00002.
gnomAD v4.1: 24 of 1,517,296 alleles (0.0016%); highest among the groups gnomAD compares: Non-Finnish European, 0.002%; no homozygotes.

Submissions (3):

Blueprint Genetics
Classification: Uncertain significance. Last evaluated: 2023-08-24. Review status: criteria provided, single submitter. Criteria: ACMG Guidelines, 2015. Collection method: clinical testing. Allele origin: germline.

Labcorp Genetics (formerly Invitae), Labcorp
Classification: Uncertain significance. Last evaluated: 2022-06-27. Review status: criteria provided, single submitter. Criteria: Invitae Variant Classification Sherloc (09022015). Collection method: clinical testing. Allele origin: germline.
Comment: This sequence change replaces phenylalanine, which is neutral and non-polar, with leucine, which is neutral and non-polar, at codon 1911 of the EYS protein (p.Phe1911Leu). This variant is present in population databases (no rsID available, gnomAD 0.002%). This variant has not been reported in the literature in individuals affected with EYS-related conditions. ClinVar contains an entry for this variant (Variation ID: 992118). Algorithms developed to predict the effect of missense changes on protein structure and function are either unavailable or do not agree on the potential impact of this missense change (SIFT: "Deleterious"; PolyPhen-2: "Probably Damaging"; Align-GVGD: "Class C15"). In summary, the available evidence is currently insufficient to determine the role of this variant in disease. Therefore, it has been classified as a Variant of Uncertain Significance.

Natera, Inc.
Classification: Uncertain significance for Autosomal recessive retinitis pigmentosa. Last evaluated: 2020-10-22. Review status: no assertion criteria provided. Collection method: clinical testing. Allele origin: germline. Not counted in ClinVar's aggregate classification.

NM_001142800.2(EYS):c.5733T>G (p.Phe1911Leu)

Gene: EYS (EGF-like photoreceptor maintenance factor; minus strand). Cytogenetic location: 6q12.
Variant type: single nucleotide variant.
Coding change: c.5733T>G on transcript NM_001142800.2 (MANE Select); coding-DNA position 5733, T replaced by G.
Protein change: p.Phe1911Leu; replaces phenylalanine 1911 with leucine.
Molecular consequence: missense variant.
Genome position (GRCh38, 1-based): chr6:64,439,264, A>C on the plus strand (T>G on the coding strand, the complement: EYS is on the minus strand). VCF-style: chr6-64439264-A-C. GRCh37 (hg19) VCF-style: chr6-65149157-A-C.
Other names: c.5733T>G, p.Phe1911Leu (NM_001292009.2); short protein forms F1911L.
Identifiers: ClinVar variation 992118 (VCV000992118.7), dbSNP rs1218274693, ClinGen allele CA364392727.